The following is an entry in ClinVar:

NM_001001433.3(STX16):c.155_158del (p.Asp52fs)

Genes: STX16 (syntaxin 16; plus strand), STX16-NPEPL1 (STX16-NPEPL1 readthrough (NMD candidate); plus strand). Cytogenetic location: 20q13.32.
Variant type: Deletion.
Coding change: c.155_158del on transcript NM_001001433.3 (MANE Select); coding-DNA positions 155 to 158, 4 bases deleted (ACCG; older notation c.155_158delACCG).
Protein change: p.Asp52fs; shifts the reading frame from aspartic acid 52.
Molecular consequence: frameshift variant. On other transcripts: 5 prime UTR variant (1), non-coding transcript variant (4).
Genome position (GRCh38, 1-based): chr20:58,667,500-58,667,503, ACCG deleted; deleting any 4 consecutive bases within chr20:58,667,499-58,667,503 gives the same sequence; the c. name uses the placement nearest the transcript's 3' end. VCF-style (leftmost placement, unchanged base first): chr20-58667498-TGACC-T. GRCh37 (hg19) VCF-style: chr20-57242554-TGACC-T.
Other names: c.143_146del, p.Asp48fs (NM_001134772.3); c.104_107del, p.Asp35fs (NM_001134773.3); c.-5_-2del (NM_001204868.2); c.92_95del, p.Asp31fs (NM_003763.6); short protein forms D52fs, D31fs, D35fs, D48fs.
Identifiers: ClinVar variation 2136024 (VCV002136024.1), dbSNP rs2516008956, ClinGen allele CA2580098340.

ClinVar aggregate classification (germline): Uncertain significance (1 of 4 stars; one submission).

Submission:

GeneDx
Classification: Uncertain significance. Last evaluated: 2022-07-20. Review status: criteria provided, single submitter. Criteria: GeneDx Variant Classification Process June 2021. Collection method: clinical testing. Allele origin: germline. Affected: yes.
Comment: Not observed at significant frequency in large population cohorts (gnomAD); Frameshift variant predicted to result in protein truncation or nonsense mediated decay in a gene or region of a gene for which loss of function is not a well-established mechanism of disease; Has not been previously published as pathogenic or benign to our knowledge